The following is an entry in ClinVar:

ClinVar aggregate classification (germline): Uncertain significance. Review status: criteria provided, multiple submitters, no conflicts (2 of 4 stars). 3 submissions from 3 submitters: Uncertain significance (2). 1 of the submissions does not count toward it. Last evaluated 2025-12-15.

Conditions:
Cardiovascular phenotype. Identifiers: MedGen CN230736.
Lysosomal acid lipase deficiency. Also called: Acid cholesteryl ester hydrolase deficiency, type 2. Identifiers: Orphanet 275761, MedGen C5574740, MONDO:0800449, MONDO:0010204.
Wolman disease (WOLD). Also called: LYSOSOMAL ACID LIPASE DEFICIENCY, ACUTE INFANTILE; LYSOSOMAL ACID LIPASE DEFICIENCY, COMPLETE; LIPA DEFICIENCY, COMPLETE; LAL DEFICIENCY, COMPLETE; CHOLESTEROL ESTER HYDROLASE DEFICIENCY, COMPLETE; Infantile-Onset LAL-D (Wolman Disease). Identifiers: Orphanet 75233, MedGen C0043208, MONDO:0019148, OMIM 620151.

Allele frequency attached by ClinVar (database versions not stated): TOPMed 0.00002; gnomAD exomes 0.00001.
gnomAD v4.1: 9 of 1,592,742 alleles (0.00057%); highest among the groups gnomAD compares: Non-Finnish European, 0.00078%; no homozygotes.

Submissions (3):

Labcorp Genetics (formerly Invitae), Labcorp
Classification: Uncertain significance for Wolman disease. Last evaluated: 2025-12-15. Review status: criteria provided, single submitter. Criteria: Invitae Variant Classification Sherloc (09022015). Collection method: clinical testing. Allele origin: germline.
Comment: This sequence change replaces methionine, which is neutral and non-polar, with isoleucine, which is neutral and non-polar, at codon 395 of the LIPA protein (p.Met395Ile). This variant is not present in population databases (gnomAD no frequency). This variant has not been reported in the literature in individuals affected with LIPA-related conditions. ClinVar contains an entry for this variant (Variation ID: 1057996). Invitae Evidence Modeling of protein sequence and biophysical properties (such as structural, functional, and spatial information, amino acid conservation, physicochemical variation, residue mobility, and thermodynamic stability) indicates that this missense variant is not expected to disrupt LIPA protein function with a negative predictive value of 95%. In summary, the available evidence is currently insufficient to determine the role of this variant in disease. Therefore, it has been classified as a Variant of Uncertain Significance.

Ambry Genetics
Classification: Uncertain significance for Cardiovascular phenotype. Last evaluated: 2023-08-22. Review status: criteria provided, single submitter. Criteria: Ambry Variant Classification Scheme 2023. Collection method: clinical testing. Allele origin: germline.

Natera, Inc.
Classification: Uncertain significance for Lysosomal acid lipase deficiency. Last evaluated: 2020-02-28. Review status: no assertion criteria provided. Collection method: clinical testing. Allele origin: germline. Not counted in ClinVar's aggregate classification.

NM_000235.4(LIPA):c.1185G>A (p.Met395Ile)

Gene: LIPA (lipase A, lysosomal acid type; minus strand). Cytogenetic location: 10q23.31.
Variant type: single nucleotide variant.
Coding change: c.1185G>A on transcript NM_000235.4 (MANE Select); coding-DNA position 1185, G replaced by A.
Protein change: p.Met395Ile; replaces methionine 395 with isoleucine.
Molecular consequence: missense variant.
Genome position (GRCh38, 1-based): chr10:89,214,843, C>T on the plus strand (G>A on the coding strand, the complement: LIPA is on the minus strand). VCF-style: chr10-89214843-C-T. GRCh37 (hg19) VCF-style: chr10-90974600-C-T.
Other names: c.1185G>A (NM_000235.2); c.1185G>A, p.Met395Ile (NM_001127605.3); c.837G>A, p.Met279Ile (NM_001288979.2); short protein forms M279I, M395I.
Identifiers: ClinVar variation 1057996 (VCV001057996.7), dbSNP rs1842600141, ClinGen allele CA377515952.
Genomic context (GRCh38, chr10:89,214,843, plus strand): 5'-ATGACATAATCATTGACTTGGTGGTACACAGCTCAAGTCCAGCTTTCACTGATATTTCCT[C>T]ATTAGATTAATAATTTTATTATAAAGCCTCCAAGGGGCATCCAGGCCCCAAATGAAGTCA-3'
Protein context (NP_000226.2, residues 385-399): WRLYNKIINL[Met395Ile]RKYQ